The following is an entry in ClinVar:

ClinVar aggregate classification (germline): Conflicting classifications of pathogenicity. Review status: criteria provided, conflicting classifications (1 of 4 stars). 2 submissions from 2 submitters: Uncertain significance (1); Likely benign (1). Last evaluated 2024-01-24.

Conditions:
Glycogen storage disease IXc (GSD9C). Also called: GSD IXc. Identifiers: Orphanet 264580, MedGen C2751643, MONDO:0013091, OMIM 613027.

gnomAD v4.1: 19 of 1,614,104 alleles (0.0012%); highest among the groups gnomAD compares: South Asian, 0.016%; no homozygotes.

Submissions (2):

Labcorp Genetics (formerly Invitae), Labcorp
Classification: Likely benign for Glycogen storage disease IXc. Last evaluated: 2024-01-24. Review status: criteria provided, single submitter. Criteria: Invitae Variant Classification Sherloc (09022015). Collection method: clinical testing. Allele origin: germline.

Baylor Genetics
Classification: Uncertain significance for Glycogen storage disease IXc. Last evaluated: 2018-10-11. Review status: criteria provided, single submitter. Criteria: ACMG Guidelines, 2015. Collection method: clinical testing. Allele origin: unknown. Affected: yes.
Comment: This variant was determined to be of uncertain significance according to ACMG Guidelines, 2015 [PMID:25741868].

NM_000294.3(PHKG2):c.927+13G>A

Gene: PHKG2 (phosphorylase kinase catalytic subunit gamma 2; plus strand). Cytogenetic location: 16p11.2.
Variant type: single nucleotide variant.
Coding change: c.927+13G>A on transcript NM_000294.3 (MANE Select); 13 bases into the intron after coding-DNA position 927, G replaced by A.
Molecular consequence: intron variant.
Genome position (GRCh38, 1-based): chr16:30,756,728, G>A. VCF-style: chr16-30756728-G-A. GRCh37 (hg19) VCF-style: chr16-30768049-G-A.
Other names: c.927+13G>A (NM_001172432.2).
Identifiers: ClinVar variation 1032297 (VCV001032297.4), dbSNP rs371298131, ClinGen allele CA8013345.